The following is an entry in ClinVar:

ClinVar aggregate classification (germline): Uncertain significance (1 of 4 stars; one submission).

Conditions:
Lymphoproliferative syndrome 1 (LPFS1). Identifiers: Orphanet 238505, Orphanet 538963, MedGen C3552634, MONDO:0013081, OMIM 613011.

Submission:

Labcorp Genetics (formerly Invitae), Labcorp
Classification: Uncertain significance for Lymphoproliferative syndrome 1. Last evaluated: 2025-12-24. Review status: criteria provided, single submitter. Criteria: Invitae Variant Classification Sherloc (09022015). Collection method: clinical testing. Allele origin: germline.
Comment: This sequence change falls in intron 3 of the ITK gene. It does not directly change the encoded amino acid sequence of the ITK protein. This variant is not present in population databases (gnomAD no frequency). This variant has not been reported in the literature in individuals affected with ITK-related conditions. Algorithms developed to predict the effect of sequence changes on RNA splicing suggest that this variant may disrupt the consensus splice site. In summary, the available evidence is currently insufficient to determine the role of this variant in disease. Therefore, it has been classified as a Variant of Uncertain Significance.

NM_005546.4(ITK):c.326-10C>G

Gene: ITK (IL2 inducible T cell kinase; plus strand). Cytogenetic location: 5q33.3.
Variant type: single nucleotide variant.
Coding change: c.326-10C>G on transcript NM_005546.4 (MANE Select); 10 bases into the intron before coding-DNA position 326, C replaced by G.
Molecular consequence: intron variant.
Genome position (GRCh38, 1-based): chr5:157,214,181, C>G. VCF-style: chr5-157214181-C-G. GRCh37 (hg19) VCF-style: chr5-156641192-C-G.
Identifiers: ClinVar variation 4768781 (VCV004768781.1).